The following is an entry in ClinVar:

NM_000179.3(MSH6):c.2748T>C (p.Phe916=)

Gene: MSH6 (mutS homolog 6; plus strand). Cytogenetic location: 2p16.3.
Variant type: single nucleotide variant.
Coding change: c.2748T>C on transcript NM_000179.3 (MANE Select); coding-DNA position 2748, T replaced by C.
Protein change: p.Phe916=; no amino-acid change (phenylalanine 916 retained).
Molecular consequence: synonymous variant. On other transcripts: non-coding transcript variant (5), intron variant (2).
Genome position (GRCh38, 1-based): chr2:47,800,731, T>C. VCF-style: chr2-47800731-T-C. GRCh37 (hg19) VCF-style: chr2-48027870-T-C.
Other names: c.2451T>C, p.Phe817= (NM_001406820.1, NM_001406821.1, NM_001406822.1 and 10 more transcripts); c.1842T>C, p.Phe614= (NM_001406823.1, NM_001406829.1, NM_001281493.2 and 6 more transcripts); c.2580T>C, p.Phe860= (NM_001406826.1); c.693T>C, p.Phe231= (NM_001407362.1); c.2308+440T>C (NM_001406803.1); c.1606+1142T>C (NM_001406817.1); c.2358T>C, p.Phe786= (NM_001281492.2); c.2844T>C, p.Phe948= (NM_001406795.1, NM_001406802.1); and 4 more.
Identifiers: ClinVar variation 1795511 (VCV001795511.3), dbSNP rs2104422233, ClinGen allele CA426121625.
Genomic context (GRCh38, chr2:47,800,731, plus strand): 5'-AAATCCTGAAGGTCGTTTTCCTGATTTGACTGTAGAATTGAACCGATGGGATACAGCCTT[T>C]GACCATGAAAAGGCTCGAAAGACTGGACTTATTACTCCCAAAGCAGGCTTTGACTCTGAT-3'
Protein context (NP_000170.1, residues 906-926): TVELNRWDTA[Phe916=]DHEKARKTGL

ClinVar aggregate classification (germline): Benign/Likely benign. Review status: criteria provided, multiple submitters, no conflicts (2 of 4 stars). 2 submissions from 2 submitters: Benign (1); Likely benign (1). Last evaluated 2025-01-02.

Conditions:
Hereditary cancer-predisposing syndrome. Also called: Tumor predisposition; Hereditary Cancer Syndrome; Neoplastic Syndromes, Hereditary; Hereditary neoplastic syndrome. Identifiers: Orphanet 140162, MedGen C0027672, MeSH D009386, MONDO:0015356.
Lynch syndrome 5 (LYNCH5). Also called: Colorectal cancer, hereditary nonpolyposis, type 5; Hereditary non-polyposis colorectal cancer, type 5. Identifiers: Orphanet 144, MedGen C1833477, MONDO:0013710, OMIM 614350. Disease mechanism: loss of function.

Allele frequency attached by ClinVar (database versions not stated): gnomAD exomes below 0.00001.
gnomAD v4.1: 1 of 1,614,194 alleles (0.000062%); highest among the groups gnomAD compares: Non-Finnish European, 0.000085%; no homozygotes.

Submissions (2):

Myriad Genetics, Inc.
Classification: Benign for Lynch syndrome 5. Last evaluated: 2025-01-02. Review status: criteria provided, single submitter. Criteria: Myriad Autosomal Dominant, Autosomal Recessive and X-Linked Classification Criteria (2023). Collection method: clinical testing. Allele origin: unknown.
Comment: This variant is considered benign. This variant is a silent/synonymous amino acid change and it is not expected to impact splicing.

Ambry Genetics
Classification: Likely benign for Hereditary cancer-predisposing syndrome. Last evaluated: 2018-10-02. Review status: criteria provided, single submitter. Criteria: Ambry Variant Classification Scheme 2023. Collection method: clinical testing. Allele origin: germline.